The following is an entry in ClinVar:

ClinVar aggregate classification (germline): Uncertain significance (1 of 4 stars; one submission).

Allele frequency attached by ClinVar (database versions not stated): TOPMed below 0.00001; gnomAD exomes 0.00001 and 0.00003; ExAC 0.00002.

Submission:

Labcorp Genetics (formerly Invitae), Labcorp
Classification: Uncertain significance. Last evaluated: 2023-03-14. Review status: criteria provided, single submitter. Criteria: Invitae Variant Classification Sherloc (09022015). Collection method: clinical testing. Allele origin: germline.
Comment: ClinVar contains an entry for this variant (Variation ID: 1521318). In summary, the available evidence is currently insufficient to determine the role of this variant in disease. Therefore, it has been classified as a Variant of Uncertain Significance. This variant has not been reported in the literature in individuals affected with MPDZ-related conditions. An algorithm developed to predict the effect of missense changes on protein structure and function (PolyPhen-2) suggests that this variant is likely to be tolerated. This sequence change replaces threonine, which is neutral and polar, with alanine, which is neutral and non-polar, at codon 1559 of the MPDZ protein (p.Thr1559Ala). This variant is present in population databases (rs771471889, gnomAD 0.002%).

NM_001378778.1(MPDZ):c.4675A>G (p.Thr1559Ala)

Gene: MPDZ (multiple PDZ domain crumbs cell polarity complex component; minus strand). Cytogenetic location: 9p23.
Variant type: single nucleotide variant.
Coding change: c.4675A>G on transcript NM_001378778.1 (MANE Select); coding-DNA position 4675, A replaced by G.
Protein change: p.Thr1559Ala; replaces threonine 1559 with alanine.
Molecular consequence: missense variant.
Genome position (GRCh38, 1-based): chr9:13,125,348, T>C on the plus strand (A>G on the coding strand, the complement: MPDZ is on the minus strand). VCF-style: chr9-13125348-T-C. GRCh37 (hg19) VCF-style: chr9-13125347-T-C.
Other names: c.4576A>G, p.Thr1526Ala (NM_001261406.2, NM_001261407.2, NM_001375416.1 and 3 more transcripts); c.4675A>G, p.Thr1559Ala (NM_001330637.2, NM_003829.5); c.4774A>G, p.Thr1592Ala (NM_001375413.1); c.4465A>G, p.Thr1489Ala (NM_001375420.1, NM_001375421.1, NM_001375422.1 and 4 more transcripts); c.4267A>G, p.Thr1423Ala (NM_001375427.1); short protein forms T1592A, T1423A, T1489A, T1526A, T1559A.
Identifiers: ClinVar variation 1521318 (VCV001521318.6), dbSNP rs771471889, ClinGen allele CA4986602.